The following is an entry in ClinVar:

ClinVar aggregate classification (germline): Uncertain significance (1 of 4 stars; one submission).

Conditions:
Bailey-Bloch congenital myopathy (CMYO13). Also called: Native American myopathy; STAC3 disorder; Congenital myopathy 13. Identifiers: Orphanet 168572, MedGen C1850625, MONDO:0009722, OMIM 255995.

Allele frequency attached by ClinVar (database versions not stated): ExAC 0.00001; TOPMed 0.00001; gnomAD 0.00002.
gnomAD v4.1: 23 of 1,613,854 alleles (0.0014%); highest among the groups gnomAD compares: Non-Finnish European, 0.0019%; no homozygotes.

Submission:

Labcorp Genetics (formerly Invitae), Labcorp
Classification: Uncertain significance for Bailey-Bloch congenital myopathy. Last evaluated: 2022-08-09. Review status: criteria provided, single submitter. Criteria: Invitae Variant Classification Sherloc (09022015). Collection method: clinical testing. Allele origin: germline.
Comment: In summary, the available evidence is currently insufficient to determine the role of this variant in disease. Therefore, it has been classified as a Variant of Uncertain Significance. Algorithms developed to predict the effect of missense changes on protein structure and function (SIFT, PolyPhen-2, Align-GVGD) all suggest that this variant is likely to be tolerated. ClinVar contains an entry for this variant (Variation ID: 1000605). This variant has not been reported in the literature in individuals affected with STAC3-related conditions. This variant is present in population databases (rs751491183, gnomAD 0.002%). This sequence change replaces proline, which is neutral and non-polar, with alanine, which is neutral and non-polar, at codon 78 of the STAC3 protein (p.Pro78Ala).

NM_145064.3(STAC3):c.232C>G (p.Pro78Ala)

Gene: STAC3 (SH3 and cysteine rich domain 3; minus strand). Cytogenetic location: 12q13.3.
Variant type: single nucleotide variant.
Coding change: c.232C>G on transcript NM_145064.3 (MANE Select); coding-DNA position 232, C replaced by G.
Protein change: p.Pro78Ala; replaces proline 78 with alanine.
Molecular consequence: missense variant. On other transcripts: intron variant (1).
Genome position (GRCh38, 1-based): chr12:57,249,143, G>C on the plus strand (C>G on the coding strand, the complement: STAC3 is on the minus strand). VCF-style: chr12-57249143-G-C. GRCh37 (hg19) VCF-style: chr12-57642926-G-C.
Other names: c.115C>G, p.Pro39Ala (NM_001286256.2); c.-126-945C>G (NM_001286257.2); short protein forms P39A, P78A.
Identifiers: ClinVar variation 1000605 (VCV001000605.7), dbSNP rs751491183, ClinGen allele CA6647215.